The following is an entry in ClinVar:

NM_000748.3(CHRNB2):c.10C>A (p.Arg4Ser)

Genes: CHRNB2 (cholinergic receptor nicotinic beta 2 subunit; plus strand), LOC129931511 (ATAC-STARR-seq lymphoblastoid silent region 1363; plus strand). Cytogenetic location: 1q21.3.
Variant type: single nucleotide variant.
Coding change: c.10C>A on transcript NM_000748.3 (MANE Select); coding-DNA position 10, C replaced by A.
Protein change: p.Arg4Ser; replaces arginine 4 with serine.
Molecular consequence: missense variant.
Genome position (GRCh38, 1-based): chr1:154,568,054, C>A. VCF-style: chr1-154568054-C-A. GRCh37 (hg19) VCF-style: chr1-154540530-C-A.
Other names: short protein forms R4S.
Identifiers: ClinVar variation 2893460 (VCV002893460.3), dbSNP rs1696093365, ClinGen allele CA342629047.

ClinVar aggregate classification (germline): Uncertain significance (1 of 4 stars; one submission).

Conditions:
Familial sleep-related hypermotor epilepsy. Also called: Autosomal Dominant Sleep-Related Hypermotor (Hyperkinetic) Epilepsy. Identifiers: Orphanet 98784, MedGen C3696898, MONDO:0000030.

Submission:

Labcorp Genetics (formerly Invitae), Labcorp
Classification: Uncertain significance. Last evaluated: 2023-08-07. Review status: criteria provided, single submitter. Criteria: Invitae Variant Classification Sherloc (09022015). Collection method: clinical testing. Allele origin: germline.
Comment: In summary, the available evidence is currently insufficient to determine the role of this variant in disease. Therefore, it has been classified as a Variant of Uncertain Significance. This sequence change replaces arginine, which is basic and polar, with serine, which is neutral and polar, at codon 4 of the CHRNB2 protein (p.Arg4Ser). This variant is not present in population databases (gnomAD no frequency). This variant has not been reported in the literature in individuals affected with CHRNB2-related conditions. Advanced modeling of protein sequence and biophysical properties (such as structural, functional, and spatial information, amino acid conservation, physicochemical variation, residue mobility, and thermodynamic stability) performed at Invitae indicates that this missense variant is not expected to disrupt CHRNB2 protein function.